The following is an entry in ClinVar:

ClinVar aggregate classification (germline): Likely benign (1 of 4 stars; one submission).

gnomAD v4.1: 43 of 1,568,846 alleles (0.0027%); highest among the groups gnomAD compares: African/African-American, 0.04%; 3 homozygotes.

Submission:

CeGaT Center for Human Genetics Tuebingen
Classification: Likely benign. Last evaluated: 2024-10-01. Review status: criteria provided, single submitter. Criteria: CeGaT Center For Human Genetics Tuebingen Variant Classification Criteria Version 2. Collection method: clinical testing. Allele origin: germline. Affected: yes. Observed: 2 variant alleles.
Comment: CYP2D6: BP4, BP7

NM_000106.6(CYP2D6):c.6G>C (p.Gly2=)

Gene: CYP2D6 (cytochrome P450 family 2 subfamily D member 6 (gene/pseudogene); minus strand). Cytogenetic location: 22q13.2.
Variant type: single nucleotide variant.
Coding change: c.6G>C on transcript NM_000106.6 (MANE Select); coding-DNA position 6, G replaced by C.
Protein change: p.Gly2=; no amino-acid change (glycine 2 retained).
Molecular consequence: synonymous variant.
Genome position (GRCh38, 1-based): chr22:42,130,786, C>G on the plus strand (G>C on the coding strand, the complement: CYP2D6 is on the minus strand). VCF-style: chr22-42130786-C-G. GRCh37 (hg19) VCF-style: chr22-42526788-C-G.
Other names: c.6G>C, p.Gly2= (NM_001025161.3).
Identifiers: ClinVar variation 3388889 (VCV003388889.14).
Genomic context (GRCh38, chr22:42,130,786, plus strand): 5'-CAGGTCCACCAGGAGCAGGAAGATGGCCACTATCACGGCCAGGGGCACCAGTGCTTCTAG[C>G]CCCATACCTGCCTCACTACCAAATGGGCTCCTCTGGACACACCTGGCACCCCCACCCCAC-3'
Protein context (NP_000097.3, residues 1-12): M[Gly2=]LEALVPLAVI